The following is an entry in ClinVar:

NM_133433.4(NIPBL):c.193C>G (p.Leu65Val)

Gene: NIPBL (NIPBL cohesin loading factor; plus strand). Cytogenetic location: 5p13.2.
Variant type: single nucleotide variant.
Coding change: c.193C>G on transcript NM_133433.4 (MANE Select); coding-DNA position 193, C replaced by G.
Protein change: p.Leu65Val; replaces leucine 65 with valine.
Molecular consequence: missense variant.
Genome position (GRCh38, 1-based): chr5:36,955,600, C>G. VCF-style: chr5-36955600-C-G. GRCh37 (hg19) VCF-style: chr5-36955702-C-G.
Other names: c.193C>G, p.Leu65Val (NM_015384.5); short protein forms L65V.
Identifiers: ClinVar variation 2917307 (VCV002917307.6), dbSNP rs925563626, ClinGen allele CA117021547.

ClinVar aggregate classification (germline): Uncertain significance. Review status: criteria provided, multiple submitters, no conflicts (2 of 4 stars). 3 submissions from 3 submitters: Uncertain significance (3). Last evaluated 2024-11-27.

Conditions:
Cornelia de Lange syndrome 1 (CDLS1). Also called: TYPUS DEGENERATIVUS AMSTELODAMENSIS; Brachmann de Lange syndrome; NIPBL-Related Cornelia de Lange Syndrome. Identifiers: Orphanet 199, MedGen C4551851, MONDO:0007387, OMIM 122470.

Allele frequency attached by ClinVar (database versions not stated): gnomAD 0.00001; TOPMed 0.00001.
gnomAD v4.1: 1 of 1,613,828 alleles (0.000062%); highest among the groups gnomAD compares: Admixed American, 0.0017%; no homozygotes.

Submissions (3):

Labcorp Genetics (formerly Invitae), Labcorp
Classification: Uncertain significance for Cornelia de Lange syndrome 1. Last evaluated: 2024-11-27. Review status: criteria provided, single submitter. Criteria: Invitae Variant Classification Sherloc (09022015). Collection method: clinical testing. Allele origin: germline.
Comment: This sequence change replaces leucine, which is neutral and non-polar, with valine, which is neutral and non-polar, at codon 65 of the NIPBL protein (p.Leu65Val). This variant is not present in population databases (gnomAD no frequency). This variant has not been reported in the literature in individuals affected with NIPBL-related conditions. ClinVar contains an entry for this variant (Variation ID: 2917307). Invitae Evidence Modeling of protein sequence and biophysical properties (such as structural, functional, and spatial information, amino acid conservation, physicochemical variation, residue mobility, and thermodynamic stability) indicates that this missense variant is expected to disrupt NIPBL protein function with a positive predictive value of 95%. In summary, the available evidence is currently insufficient to determine the role of this variant in disease. Therefore, it has been classified as a Variant of Uncertain Significance.

Servicio de Genética Del Instituto Nacional de Salud Del Niño, Ministerio de Salud
Classification: Uncertain significance for Cornelia de Lange syndrome 1. Last evaluated: 2024-11-18. Review status: criteria provided, single submitter. Criteria: ACMG Guidelines, 2015. Collection method: clinical testing. Allele origin: germline. Inheritance: Autosomal dominant inheritance.
Comment: The variant NM_133433.4:c.193C>G, p.Leu65Val results in the substitution of leucine with valine at position 65 in the protein. Both leucine and valine are hydrophobic amino acids, but this substitution may still affect protein folding or function due to slight differences in their side chain properties. Based on ACMG/AMP guidelines, PM2 (absent in population databases), PP3 (computational prediction suggests a damaging effect), and PP2 (amino acid is highly conserved), the variant is classified as uncertain significance.

Fulgent Genetics
Classification: Uncertain significance for Cornelia de Lange syndrome 1. Last evaluated: 2024-06-07. Review status: criteria provided, single submitter. Criteria: ACMG Guidelines, 2015. Collection method: clinical testing. Allele origin: germline.